The following is an entry in ClinVar:

ClinVar aggregate classification (germline): Likely benign. Review status: criteria provided, multiple submitters, no conflicts (2 of 4 stars). 2 submissions from 2 submitters: Likely benign (2). Last evaluated 2026-07-01.

Conditions:
Epilepsy, childhood absence, susceptibility to, 1. Also called: Epilepsy, childhood absence 1. Identifiers: Orphanet 64280, MedGen C1838604, MONDO:0020759, OMIM 600131.
Epilepsy, childhood absence, susceptibility to, 5. Identifiers: Orphanet 64280, MedGen C2677087, MONDO:0012843, OMIM 612269.

Allele frequency attached by ClinVar (database versions not stated): gnomAD 0.00001; gnomAD exomes 0.00001; TOPMed 0.00001; ExAC 0.00002.
gnomAD v4.1: 24 of 1,613,940 alleles (0.0015%); highest among the groups gnomAD compares: Middle Eastern, 0.016%; no homozygotes.

Submissions (2):

CeGaT Center for Human Genetics Tuebingen
Classification: Likely benign. Last evaluated: 2026-07-01. Review status: criteria provided, single submitter. Criteria: CeGaT Center For Human Genetics Tuebingen Variant Classification Criteria Version 2. Collection method: clinical testing. Allele origin: germline. Affected: yes. Observed: 1 variant allele.
Comment: GABRB3: BP4, BP7

Labcorp Genetics (formerly Invitae), Labcorp
Classification: Likely benign for Epilepsy, childhood absence, susceptibility to, 5; Epilepsy, childhood absence, susceptibility to, 1. Last evaluated: 2019-12-05. Review status: criteria provided, single submitter. Criteria: Invitae Variant Classification Sherloc (09022015). Collection method: clinical testing. Allele origin: germline.

NM_000814.6(GABRB3):c.291C>T (p.Leu97=)

Gene: GABRB3 (gamma-aminobutyric acid type A receptor subunit beta3; minus strand). Cytogenetic location: 15q12.
Variant type: single nucleotide variant.
Coding change: c.291C>T on transcript NM_000814.6 (MANE Select); coding-DNA position 291, C replaced by T.
Protein change: p.Leu97=; no amino-acid change (leucine 97 retained).
Molecular consequence: synonymous variant. On other transcripts: non-coding transcript variant (1).
Genome position (GRCh38, 1-based): chr15:26,621,484, G>A on the plus strand (C>T on the coding strand, the complement: GABRB3 is on the minus strand). VCF-style: chr15-26621484-G-A. GRCh37 (hg19) VCF-style: chr15-26866631-G-A.
Other names: c.36C>T, p.Leu12= (NM_001191320.2, NM_001278631.2); c.78C>T, p.Leu26= (NM_001191321.3); c.291C>T, p.Leu97= (NM_021912.5).
Identifiers: ClinVar variation 1130420 (VCV001130420.10), dbSNP rs779511362, ClinGen allele CA7437470.